The following is an entry in ClinVar:

NM_001399.5(EDA):c.132_135dup (p.Phe46fs)

Gene: EDA (ectodysplasin A; plus strand). Cytogenetic location: Xq13.1.
Variant type: Duplication.
Coding change: c.132_135dup on transcript NM_001399.5 (MANE Select); coding-DNA positions 132 to 135, 4 bases duplicated (GGGT; older notation c.132_135dupGGGT).
Protein change: p.Phe46fs; shifts the reading frame from phenylalanine 46.
Genome position (GRCh38, 1-based): chrX:69,616,440-69,616,443, GGGT duplicated; duplicating any 4 consecutive bases within chrX:69,616,439-69,616,443 gives the same sequence; the c. name uses the placement nearest the transcript's 3' end. VCF-style (leftmost placement, unchanged base first): chrX-69616438-C-CTGGG. GRCh37 (hg19) VCF-style: chrX-68836282-C-CTGGG.
Other names: c.132_135dup, p.Phe46fs (NM_001005609.2, NM_001005610.4, NM_001005612.3 and 1 more transcripts); short protein forms F46fs.
Identifiers: ClinVar variation 179733 (VCV000179733.4), dbSNP rs727505089, ClinGen allele CA273646.

ClinVar aggregate classification (germline): Pathogenic (1 of 4 stars; one submission).

Conditions:
Hypohidrotic X-linked ectodermal dysplasia (XHED). Also called: ECTODERMAL DYSPLASIA, HYPOHIDROTIC, 1; CST SYNDROME; ECTODERMAL DYSPLASIA 1; Ectodermal Dysplasia 1, Anhidrotic; Anhidrotic ectodermal dysplasia X-linked; Christ Siemens Touraine syndrome. Identifiers: Orphanet 181, Orphanet 238468, MedGen C0162359, MONDO:0010585, OMIM 305100.

Submission:

Laboratory for Molecular Medicine, Mass General Brigham Personalized Medicine
Classification: Pathogenic for Hypohidrotic X-linked ectodermal dysplasia. Last evaluated: 2014-04-08. Review status: criteria provided, single submitter. Criteria: LMM Criteria. Collection method: clinical testing. Allele origin: germline. Observed: 2 variant alleles.
Comment: The Phe46fs variant in EDA has not been previously reported in individuals with hypohidrotic ectodermal dysplasia and was absent from large population studies. This frameshift variant is predicted to alter the protein?s amino acid sequence beginning at position 46 and lead to a premature termination codon 55 amino aci ds downstream. This alteration is then predicted to lead to a truncated or absen t protein. Loss of function of function of the EDA gene is an established diseas e mechanism in XLHED. In summary, this variant meets our criteria to be classifi ed as pathogenic.